The following is an entry in ClinVar:

ClinVar aggregate classification (germline): Pathogenic (1 of 4 stars; one submission).

Conditions:
Catecholaminergic polymorphic ventricular tachycardia 1. Also called: VENTRICULAR TACHYCARDIA, STRESS-INDUCED POLYMORPHIC 1; VENTRICULAR TACHYCARDIA, CATECHOLAMINERGIC POLYMORPHIC, 1, WITH OR WITHOUT ATRIAL DYSFUNCTION AND/OR DILATED CARDIOMYOPATHY; RYR2-Related Catecholaminergic Polymorphic Ventricular Tachycardia. Identifiers: Orphanet 3286, MedGen C1631597, MONDO:0011484, OMIM 604772.

Submission:

Labcorp Genetics (formerly Invitae), Labcorp
Classification: Pathogenic for Catecholaminergic polymorphic ventricular tachycardia 1. Last evaluated: 2024-10-09. Review status: criteria provided, single submitter. Criteria: Invitae Variant Classification Sherloc (09022015). Collection method: clinical testing. Allele origin: germline.
Comment: This sequence change creates a premature translational stop signal (p.Glu58*) in the CASQ2 gene. It is expected to result in an absent or disrupted protein product. Loss-of-function variants in CASQ2 are known to be pathogenic (PMID: 12386154). This variant is not present in population databases (gnomAD no frequency). This variant has not been reported in the literature in individuals affected with CASQ2-related conditions. For these reasons, this variant has been classified as Pathogenic.

Literature cited by the submitters: PubMed 12386154.

NM_001232.4(CASQ2):c.172G>T (p.Glu58Ter)

Gene: CASQ2 (calsequestrin 2; minus strand). Cytogenetic location: 1p13.1.
Variant type: single nucleotide variant.
Coding change: c.172G>T on transcript NM_001232.4 (MANE Select); coding-DNA position 172, G replaced by T.
Protein change: p.Glu58Ter; replaces glutamic acid 58 with a stop codon.
Molecular consequence: nonsense.
Genome position (GRCh38, 1-based): chr1:115,768,370, C>A on the plus strand (G>T on the coding strand, the complement: CASQ2 is on the minus strand). VCF-style: chr1-115768370-C-A. GRCh37 (hg19) VCF-style: chr1-116310991-C-A.
Other names: short protein forms E58*.
Identifiers: ClinVar variation 3722580 (VCV003722580.2).